The following is an entry in ClinVar:

ClinVar aggregate classification (germline): Conflicting classifications of pathogenicity. Review status: criteria provided, conflicting classifications (1 of 4 stars). 6 submissions from 6 submitters: Uncertain significance (3); Likely benign (3). Last evaluated 2026-04-15.

Conditions:
Charcot-Marie-Tooth disease type 2. Also called: Charcot-Marie-Tooth type 2. Identifiers: Orphanet 64746, MedGen C0270914, MONDO:0018993.
Inborn genetic diseases. Identifiers: MedGen C0950123, MeSH D030342.

Allele frequency attached by ClinVar (database versions not stated): ExAC 0.00034; 1000 Genomes Project 0.00120; 1000 Genomes Project 30x 0.00172; TOPMed 0.00129; ESP Exome Variant Server 0.00200.
gnomAD v4.1: 312 of 1,614,130 alleles (0.019%); highest among the groups gnomAD compares: African/African-American, 0.36%; 1 homozygote.

Submissions (10):

Women's Health and Genetics/Laboratory Corporation of America, LabCorp
Classification: Likely benign. Last evaluated: 2026-04-15. Review status: criteria provided, single submitter. Criteria: LabCorp Variant Classification Summary - May 2015. Collection method: clinical testing. Allele origin: germline.
Comment: Variant summary: AARS1 c.2166C>A (p.Phe722Leu) results in a non-conservative amino acid change in the encoded protein sequence. Algorithms developed to predict the effect of missense changes on protein structure and function are either unavailable or do not agree on the potential impact of this missense change. The variant allele was found at a frequency of 0.00039 in 282542 control chromosomes, predominantly at a frequency of 0.0041 within the African or African-American subpopulation in the gnomAD database. The observed variant frequency within African or African-American control individuals in the gnomAD database exceeds the estimated maximal expected allele frequency for disease-causing variants in AARS1. To our knowledge, no occurrence of c.2166C>A in individuals affected with AARS1-related conditions and no experimental evidence demonstrating its impact on protein function have been reported. ClinVar contains an entry for this variant (Variation ID: 418601). Based on the evidence outlined above, the variant was classified as likely benign.

Labcorp Genetics (formerly Invitae), Labcorp
Classification: Likely benign for Charcot-Marie-Tooth disease type 2. Last evaluated: 2026-02-03. Review status: criteria provided, single submitter. Criteria: Invitae Variant Classification Sherloc (09022015). Collection method: clinical testing. Allele origin: germline.

ARUP Laboratories, Molecular Genetics and Genomics, ARUP Laboratories
Classification: Uncertain significance. Last evaluated: 2023-10-16. Review status: criteria provided, single submitter. Criteria: ARUP Molecular Germline Variant Investigation Process 2024. Collection method: clinical testing. Allele origin: germline.
Comment: The AARS1 c.2166C>A; p.Phe722Leu variant (rs115882953), to our knowledge, is not reported in the medical literature but is reported in ClinVar (Variation ID: 418601). This variant is found in the African/African-American population with an allele frequency of 0.41% (103/24,918 alleles) in the Genome Aggregation Database. The phenylalanine at codon 722 is highly conserved, but computational analyses are uncertain whether this variant is neutral or deleterious (REVEL: 0.363). While the population frequency suggests that this is variant is unlikely to cause an autosomal dominant disorder, a contribution to an autosomal recessive phenotype cannot be ruled out. Therefore, the significance of the p.Phe722Leu variant is uncertain at this time.

Mayo Clinic Laboratories, Mayo Clinic
Classification: Uncertain significance. Last evaluated: 2022-04-15. Review status: criteria provided, single submitter. Criteria: ACMG Guidelines, 2015. Collection method: clinical testing. Allele origin: germline. Observed: 1 variant allele.

GeneDx
Classification: Uncertain significance. Last evaluated: 2020-11-10. Review status: criteria provided, single submitter. Criteria: GeneDx Variant Classification Process June 2021. Collection method: clinical testing. Allele origin: germline. Affected: yes.
Comment: Reported in heterozygous state in a patient with CMT (Vaeth et al., 2019); In silico analysis supports that this missense variant has a deleterious effect on protein structure/function; This variant is associated with the following publications: (PMID: 29653220)

Ambry Genetics
Classification: Likely benign for Inborn genetic diseases. Last evaluated: 2019-11-19. Review status: criteria provided, single submitter. Criteria: Ambry Variant Classification Scheme 2023. Collection method: clinical testing. Allele origin: germline.

Dr. Peter K. Rogan Lab, Western University
No classification provided (evidence only). Condition: Uterine corpus endometrial carcinoma. Review status: no classification provided. Collection method: in vitro. Allele origin: not applicable. Functional consequence: skipped exon, retained intron. Not counted in ClinVar's aggregate classification.

Dr. Peter K. Rogan Lab, Western University
No classification provided (evidence only). Condition: Uterine corpus endometrial carcinoma. Review status: no classification provided. Collection method: in vitro. Allele origin: not applicable. Functional consequence: retained intron. Not counted in ClinVar's aggregate classification.

Dr. Peter K. Rogan Lab, Western University
No classification provided (evidence only). Condition: Uterine corpus endometrial carcinoma. Review status: no classification provided. Collection method: in vitro. Allele origin: not applicable. Functional consequence: retained intron. Not counted in ClinVar's aggregate classification.

Dr. Peter K. Rogan Lab, Western University
No classification provided (evidence only). Condition: Ovarian serous cystadenocarcinoma. Review status: no classification provided. Collection method: in vitro. Allele origin: not applicable. Functional consequence: retained intron. Not counted in ClinVar's aggregate classification.

NM_001605.3(AARS1):c.2166C>A (p.Phe722Leu)

Gene: AARS1 (alanyl-tRNA synthetase 1; minus strand). Cytogenetic location: 16q22.1.
Variant type: single nucleotide variant.
Coding change: c.2166C>A on transcript NM_001605.3 (MANE Select); coding-DNA position 2166, C replaced by A.
Protein change: p.Phe722Leu; replaces phenylalanine 722 with leucine.
Molecular consequence: missense variant.
Genome position (GRCh38, 1-based): chr16:70,258,044, G>T on the plus strand (C>A on the coding strand, the complement: AARS1 is on the minus strand). VCF-style: chr16-70258044-G-T. GRCh37 (hg19) VCF-style: chr16-70291947-G-T.
Other names: p.Phe722Leu; short protein forms F722L.
Identifiers: ClinVar variation 418601 (VCV000418601.19), dbSNP rs115882953, ClinGen allele CA8140547.